The following is an entry in ClinVar:

ClinVar aggregate classification (germline): Uncertain significance (1 of 4 stars; one submission).

Conditions:
Hereditary cancer-predisposing syndrome. Also called: Neoplastic Syndromes, Hereditary; Hereditary Cancer Syndrome; Hereditary neoplastic syndrome; Tumor predisposition. Identifiers: Orphanet 140162, MedGen C0027672, MeSH D009386, MONDO:0015356.

Submission:

Ambry Genetics
Classification: Uncertain significance for Hereditary cancer-predisposing syndrome. Last evaluated: 2023-04-18. Review status: criteria provided, single submitter. Criteria: Ambry Variant Classification Scheme 2023. Collection method: clinical testing. Allele origin: germline.
Comment: The p.S102Y variant (also known as c.305C>A), located in coding exon 3 of the TSC1 gene, results from a C to A substitution at nucleotide position 305. The serine at codon 102 is replaced by tyrosine, an amino acid with dissimilar properties. This amino acid position is conserved. In addition, the in silico prediction for this alteration is inconclusive. Since supporting evidence is limited at this time, the clinical significance of this alteration remains unclear.

NM_000368.5(TSC1):c.305C>A (p.Ser102Tyr)

Gene: TSC1 (TSC complex subunit 1; minus strand). Cytogenetic location: 9q34.13.
Variant type: single nucleotide variant.
Coding change: c.305C>A on transcript NM_000368.5 (MANE Select); coding-DNA position 305, C replaced by A.
Protein change: p.Ser102Tyr; replaces serine 102 with tyrosine.
Molecular consequence: missense variant. On other transcripts: 5 prime UTR variant (18), non-coding transcript variant (5), intron variant (5).
Genome position (GRCh38, 1-based): chr9:132,925,645, G>T on the plus strand (C>A on the coding strand, the complement: TSC1 is on the minus strand). VCF-style: chr9-132925645-G-T. GRCh37 (hg19) VCF-style: chr9-135801032-G-T.
Other names: c.305C>A, p.Ser102Tyr (NM_001162426.2, NM_001406592.1, NM_001406593.1 and 16 more transcripts); c.-59C>A (NM_001362177.2, NM_001406617.1, NM_001406618.1 and 5 more transcripts); c.-151C>A (NM_001406614.1, NM_001406616.1, NM_001406624.1); c.-184C>A (NM_001406615.1, NM_001406623.1); c.-573C>A (NM_001406626.1, NM_001406627.1, NM_001406628.1); c.-715C>A (NM_001406629.1); c.-789C>A (NM_001406630.1); c.210+1556C>A (NM_001406613.1, NM_001406612.1, NM_001406610.1 and 2 more transcripts); short protein forms S102Y.
Identifiers: ClinVar variation 2562880 (VCV002562880.2), dbSNP rs1307630727, ClinGen allele CA375374511.
Genomic context (GRCh38, chr9:132,925,645, plus strand): 5'-ACCTTGAGACATTTTAGTAAAGAAGGCAAAAGAGGTGCTTGAGAGAGCTTATGCTTCCAA[G>T]ATGGCTGCAGTCTTATGACATGACCCAGTAACGAGAGGATGGATAAACGAGTGGCGGCTT-3'
Protein context (NP_000359.1, residues 92-112): LLGHVIRLQP[Ser102Tyr]WKHKLSQAPL